The following is an entry in ClinVar:

ClinVar aggregate classification (germline): Uncertain significance. Review status: criteria provided, multiple submitters, no conflicts (2 of 4 stars). 2 submissions from 2 submitters: Uncertain significance (2). Last evaluated 2025-07-16.

Conditions:
Inborn genetic diseases. Identifiers: MedGen C0950123, MeSH D030342.
Myoclonic dystonia 26. Identifiers: MedGen C4225341, MONDO:0014620, OMIM 616398.

Submissions (2):

Ambry Genetics
Classification: Uncertain significance for Inborn genetic diseases. Last evaluated: 2025-07-16. Review status: criteria provided, single submitter. Criteria: Ambry Variant Classification Scheme 2023. Collection method: clinical testing. Allele origin: germline.

Labcorp Genetics (formerly Invitae), Labcorp
Classification: Uncertain significance for Myoclonic dystonia 26. Last evaluated: 2023-03-13. Review status: criteria provided, single submitter. Criteria: Invitae Variant Classification Sherloc (09022015). Collection method: clinical testing. Allele origin: germline.
Comment: This variant is not present in population databases (gnomAD no frequency). In summary, the available evidence is currently insufficient to determine the role of this variant in disease. Therefore, it has been classified as a Variant of Uncertain Significance. Advanced modeling of protein sequence and biophysical properties (such as structural, functional, and spatial information, amino acid conservation, physicochemical variation, residue mobility, and thermodynamic stability) performed at Invitae indicates that this missense variant is not expected to disrupt KCTD17 protein function. This variant has not been reported in the literature in individuals affected with KCTD17-related conditions. This sequence change replaces valine, which is neutral and non-polar, with leucine, which is neutral and non-polar, at codon 146 of the KCTD17 protein (p.Val146Leu).

NM_001282684.2(KCTD17):c.415G>T (p.Val139Leu)

Gene: KCTD17 (potassium channel tetramerization domain containing 17; plus strand). Cytogenetic location: 22q12.3.
Variant type: single nucleotide variant.
Coding change: c.415G>T on transcript NM_001282684.2 (MANE Select); coding-DNA position 415, G replaced by T.
Protein change: p.Val139Leu; replaces valine 139 with leucine.
Molecular consequence: missense variant.
Genome position (GRCh38, 1-based): chr22:37,057,422, G>T. VCF-style: chr22-37057422-G-T. GRCh37 (hg19) VCF-style: chr22-37453462-G-T.
Other names: c.436G>T (NM_024681.2); c.415G>T, p.Val139Leu (NM_001282685.2, NM_001282686.2, NM_024681.4); short protein forms V139L.
Identifiers: ClinVar variation 2845364 (VCV002845364.4), dbSNP rs947420043, ClinGen allele CA411414113.